The following is an entry in ClinVar:

ClinVar aggregate classification (germline): Likely pathogenic (1 of 4 stars; one submission).

Conditions:
Congenital hyperammonemia, type I. Also called: Carbamoyl phosphate synthetase I deficiency disease; CPS I DEFICIENCY; Carbamoyl phosphate synthetase 1 deficiency; Hyperammonemia due to carbamoyl phosphate synthetase 1 deficiency; CPS 1 deficiency; Carbamyl phosphate synthetase (CPS) deficiency. Identifiers: Orphanet 147, MedGen C4082171, MONDO:0009376, OMIM 237300.

gnomAD v4.1: 1 of 1,612,652 alleles (0.000062%); highest among the groups gnomAD compares: Non-Finnish European, 0.000085%; no homozygotes.

Submission:

Natera, Inc.
Classification: Likely pathogenic for Carbamoyl-phosphate synthase I deficiency. Last evaluated: 2026-01-15. Review status: criteria provided, single submitter. Criteria: Natera Variant Classification Schema (03/2026). Collection method: clinical testing. Allele origin: germline.
Comment: The c.2120C>G variant in CPS1 is a nonsense variant predicted to introduce a stop codon at amino acid 707. This variant is expected to result in nonsense mediated decay, truncation, or a dysfunctional protein product. This variant is rare in the general population with a frequency below the threshold expected for the associated phenotype(s). Given the available evidence, this variant is classified as Likely Pathogenic.

NM_001875.5(CPS1):c.2120C>G (p.Ser707Ter)

Gene: CPS1 (carbamoyl-phosphate synthase 1; plus strand). Cytogenetic location: 2q34.
Variant type: single nucleotide variant.
Coding change: c.2120C>G on transcript NM_001875.5 (MANE Select); coding-DNA position 2120, C replaced by G.
Protein change: p.Ser707Ter; replaces serine 707 with a stop codon.
Molecular consequence: nonsense. On other transcripts: non-coding transcript variant (2).
Genome position (GRCh38, 1-based): chr2:210,606,869, C>G. VCF-style: chr2-210606869-C-G. GRCh37 (hg19) VCF-style: chr2-211471593-C-G.
Other names: c.2120C>G, p.Ser707Ter (NM_001122633.3, NM_001369257.1); c.2153C>G, p.Ser718Ter (NM_001369256.1); short protein forms S707*, S718*.
Identifiers: ClinVar variation 4814951 (VCV004814951.1).
Genomic context (GRCh38, chr2:210,606,869, plus strand): 5'-TTGTTCGCCACTTGGGCATTGTGGGTGAATGCAACATTCAGTTTGCCCTTCATCCTACCT[C>G]AATGGAATACTGCATCATTGAAGTGAATGCCAGACTGTCCCGAAGCTCTGCTCTGGCCTC-3'